The following is an entry in ClinVar:

ClinVar aggregate classification (germline): Uncertain significance (1 of 4 stars; one submission).

Conditions:
Hereditary pancreatitis (PCTT). Also called: Hereditary chronic pancreatitis; PRSS1-Related Hereditary Pancreatitis. Identifiers: Orphanet 676, MedGen C0238339, MONDO:0008185, OMIM 167800.

Submission:

Ambry Genetics
Classification: Uncertain significance for Hereditary pancreatitis. Last evaluated: 2020-12-31. Review status: criteria provided, single submitter. Criteria: Ambry Variant Classification Scheme 2023. Collection method: clinical testing. Allele origin: germline.
Comment: The p.S16R variant (also known as c.48C>G), located in coding exon 2 of the CTRC gene, results from a C to G substitution at nucleotide position 48. The serine at codon 16 is replaced by arginine, an amino acid with dissimilar properties. This amino acid position is not well conserved in available vertebrate species. In addition, the in silico prediction for this alteration is inconclusive. Since supporting evidence is limited at this time, the clinical significance of this alteration remains unclear.

NM_007272.3(CTRC):c.48C>G (p.Ser16Arg)

Gene: CTRC (chymotrypsin C; plus strand). Cytogenetic location: 1p36.21.
Variant type: single nucleotide variant.
Coding change: c.48C>G on transcript NM_007272.3 (MANE Select); coding-DNA position 48, C replaced by G.
Protein change: p.Ser16Arg; replaces serine 16 with arginine.
Molecular consequence: missense variant.
Genome position (GRCh38, 1-based): chr1:15,440,307, C>G. VCF-style: chr1-15440307-C-G. GRCh37 (hg19) VCF-style: chr1-15766803-C-G.
Other names: short protein forms S16R.
Identifiers: ClinVar variation 1743935 (VCV001743935.2), dbSNP rs753438186, ClinGen allele CA613201.